The following is an entry in ClinVar:

NM_006059.4(LAMC3):c.2732G>A (p.Gly911Glu)

Gene: LAMC3 (laminin subunit gamma 3; plus strand). Cytogenetic location: 9q34.12.
Variant type: single nucleotide variant.
Coding change: c.2732G>A on transcript NM_006059.4 (MANE Select); coding-DNA position 2732, G replaced by A.
Protein change: p.Gly911Glu; replaces glycine 911 with glutamic acid.
Molecular consequence: missense variant.
Genome position (GRCh38, 1-based): chr9:131,068,216, G>A. VCF-style: chr9-131068216-G-A. GRCh37 (hg19) VCF-style: chr9-133943603-G-A.
Other names: short protein forms G911E.
Identifiers: ClinVar variation 1917429 (VCV001917429.2), dbSNP rs767634048, ClinGen allele CA5287545.

ClinVar aggregate classification (germline): Uncertain significance (1 of 4 stars; one submission).

Allele frequency attached by ClinVar (database versions not stated): gnomAD 0.00001; gnomAD exomes 0.00002; ExAC 0.00008.
gnomAD v4.1: 32 of 1,610,772 alleles (0.002%); highest among the groups gnomAD compares: South Asian, 0.033%; no homozygotes.

Submission:

Labcorp Genetics (formerly Invitae), Labcorp
Classification: Uncertain significance. Last evaluated: 2022-03-14. Review status: criteria provided, single submitter. Criteria: Invitae Variant Classification Sherloc (09022015). Collection method: clinical testing. Allele origin: germline.
Comment: This sequence change replaces glycine, which is neutral and non-polar, with glutamic acid, which is acidic and polar, at codon 911 of the LAMC3 protein (p.Gly911Glu). This variant is present in population databases (rs767634048, gnomAD 0.04%). This variant has not been reported in the literature in individuals affected with LAMC3-related conditions. Algorithms developed to predict the effect of missense changes on protein structure and function output the following: SIFT: "Deleterious"; PolyPhen-2: "Benign"; Align-GVGD: "Class C0". The glutamic acid amino acid residue is found in multiple mammalian species, which suggests that this missense change does not adversely affect protein function. In summary, the available evidence is currently insufficient to determine the role of this variant in disease. Therefore, it has been classified as a Variant of Uncertain Significance.